The following is an entry in ClinVar:

ClinVar aggregate classification (germline): Likely benign (1 of 4 stars; one submission).

Allele frequency attached by ClinVar (database versions not stated): gnomAD exomes below 0.00001; ExAC 0.00001.
gnomAD v4.1: 1 of 1,612,872 alleles (0.000062%); highest among the groups gnomAD compares: East Asian, 0.0022%; no homozygotes.

Submission:

GeneDx
Classification: Likely benign. Last evaluated: 2018-02-06. Review status: criteria provided, single submitter. Criteria: GeneDx Variant Classification (06012015). Collection method: clinical testing. Allele origin: germline. Affected: yes.
Comment: This variant is considered likely benign or benign based on one or more of the following criteria: it is a conservative change, it occurs at a poorly conserved position in the protein, it is predicted to be benign by multiple in silico algorithms, and/or has population frequency not consistent with disease.

NM_001267550.2(TTN):c.39556G>A (p.Val13186Ile)

Gene: TTN (titin; minus strand). Cytogenetic location: 2q31.2.
Variant type: single nucleotide variant.
Coding change: c.39556G>A on transcript NM_001267550.2 (MANE Select); coding-DNA position 39556, G replaced by A.
Protein change: p.Val13186Ile; replaces valine 13186 with isoleucine.
Molecular consequence: missense variant. On other transcripts: intron variant (3).
Genome position (GRCh38, 1-based): chr2:178,651,312, C>T on the plus strand (G>A on the coding strand, the complement: TTN is on the minus strand). VCF-style: chr2-178651312-C-T. GRCh37 (hg19) VCF-style: chr2-179516039-C-T.
Other names: c.35035G>A, p.Val11679Ile (NM_001256850.1); c.32254G>A, p.Val10752Ile (NM_133378.4); c.13283-8995G>A (NM_003319.4); c.13859-8995G>A (NM_133437.4); c.13658-8995G>A (NM_133432.3); short protein forms V11679I, V13186I, V10752I.
Identifiers: ClinVar variation 515373 (VCV000515373.1), dbSNP rs750201663, ClinGen allele CA1996661.